The following is an entry in ClinVar:

NM_004655.4(AXIN2):c.2472T>G (p.Asp824Glu)

Gene: AXIN2 (axin 2; minus strand). Cytogenetic location: 17q24.1.
Variant type: single nucleotide variant.
Coding change: c.2472T>G on transcript NM_004655.4 (MANE Select); coding-DNA position 2472, T replaced by G.
Protein change: p.Asp824Glu; replaces aspartic acid 824 with glutamic acid.
Molecular consequence: missense variant.
Genome position (GRCh38, 1-based): chr17:65,530,036, A>C on the plus strand (T>G on the coding strand, the complement: AXIN2 is on the minus strand). VCF-style: chr17-65530036-A-C. GRCh37 (hg19) VCF-style: chr17-63526154-A-C.
Other names: c.2277T>G, p.Asp759Glu (NM_001363813.1); short protein forms D759E, D824E.
Identifiers: ClinVar variation 1902183 (VCV001902183.5), dbSNP rs767106022, ClinGen allele CA400674832.

ClinVar aggregate classification (germline): Uncertain significance (1 of 4 stars; one submission).

Conditions:
Oligodontia-cancer predisposition syndrome. Also called: TOOTH AGENESIS-COLORECTAL CANCER SYNDROME. Identifiers: Orphanet 300576, MedGen C1837750, MONDO:0012075, OMIM 608615. Disease mechanism: loss of function.

Submission:

Labcorp Genetics (formerly Invitae), Labcorp
Classification: Uncertain significance for Oligodontia-cancer predisposition syndrome. Last evaluated: 2022-02-04. Review status: criteria provided, single submitter. Criteria: Invitae Variant Classification Sherloc (09022015). Collection method: clinical testing. Allele origin: germline.
Comment: This variant has not been reported in the literature in individuals affected with AXIN2-related conditions. This variant is not present in population databases (gnomAD no frequency). This sequence change replaces aspartic acid, which is acidic and polar, with glutamic acid, which is acidic and polar, at codon 824 of the AXIN2 protein (p.Asp824Glu). Algorithms developed to predict the effect of missense changes on protein structure and function (SIFT, PolyPhen-2, Align-GVGD) all suggest that this variant is likely to be disruptive. In summary, the available evidence is currently insufficient to determine the role of this variant in disease. Therefore, it has been classified as a Variant of Uncertain Significance.